The following is an entry in ClinVar:

NM_001267550.2(TTN):c.42445_42446insTTT (p.Glu14149delinsValTer)

Gene: TTN (titin; minus strand). Cytogenetic location: 2q31.2.
Variant type: Insertion.
Coding change: c.42445_42446insTTT on transcript NM_001267550.2 (MANE Select); coding-DNA positions 42445 to 42446, TTT inserted.
Protein change: p.Glu14149delinsValTer.
Molecular consequence: nonsense.
Genome position: GRCh38 VCF-style: chr2-178634053-T-TAAA. GRCh37 (hg19) VCF-style: chr2-179498780-T-TAAA.
Other names: c.37522_37523insTTT, p.Glu12508delinsValTer (NM_001256850.1); c.15250_15251insTTT, p.Glu5084delinsValTer (NM_003319.4); c.34741_34742insTTT, p.Glu11581delinsValTer (NM_133378.4); c.15625_15626insTTT, p.Glu5209delinsValTer (NM_133432.3); c.15826_15827insTTT, p.Glu5276delinsValTer (NM_133437.4).
Identifiers: ClinVar variation 970848 (VCV000970848.10), dbSNP rs2060125843, ClinGen allele CA1139657475.

ClinVar aggregate classification (germline): Pathogenic (1 of 4 stars; one submission).

Conditions:
Dilated cardiomyopathy 1G (CMD1G). Identifiers: Orphanet 154, MedGen C1858763, MONDO:0011400, OMIM 604145.
Autosomal recessive limb-girdle muscular dystrophy type 2J (LGMDR10). Also called: Limb-girdle muscular dystrophy, type 2J; MUSCULAR DYSTROPHY, LIMB-GIRDLE, AUTOSOMAL RECESSIVE 10. Identifiers: Orphanet 140922, MedGen C1837342, MONDO:0012127, OMIM 608807.

Submission:

Labcorp Genetics (formerly Invitae), Labcorp
Classification: Pathogenic for Dilated cardiomyopathy 1G; Autosomal recessive limb-girdle muscular dystrophy type 2J. Last evaluated: 2025-10-21. Review status: criteria provided, single submitter. Criteria: Invitae Variant Classification Sherloc (09022015). Collection method: clinical testing. Allele origin: germline.
Comment: This sequence change creates a premature translational stop signal (p.Glu14149delinsVal*) in the TTN gene. While this is not anticipated to result in nonsense mediated decay, it is expected to create a truncated TTN protein. This variant is not present in population databases (gnomAD no frequency). This premature translational stop signal has been observed in individuals with autosomal dominant dilated cardiomyopathy (PMID: 36396199; internal data). ClinVar contains an entry for this variant (Variation ID: 970848). This variant is located in the I band of TTN (PMID: 25589632). Truncating variants in this region have been reported in individuals affected with autosomal recessive centronuclear myopathy (PMID: 23975875, internal data). Truncating variants in this region have also been identified in individuals affected with autosomal dominant dilated cardiomyopathy and/or cardio-related conditions (PMID: 27869827, 32964742, internal data). For these reasons, this variant has been classified as Pathogenic.

Literature cited by the submitters: PubMed 36396199; PubMed 25589632; PubMed 23975875; PubMed 27869827; PubMed 32964742.